The following is an entry in ClinVar:

ClinVar aggregate classification (germline): Uncertain significance. Review status: criteria provided, multiple submitters, no conflicts (2 of 4 stars). 2 submissions from 2 submitters: Uncertain significance (2). Last evaluated 2024-02-23.

Conditions:
Nephronophthisis. Also called: Juvenile Nephronophthisis. Identifiers: Orphanet 655, MedGen C0687120, MONDO:0019005, HP:0000090.

Allele frequency attached by ClinVar (database versions not stated): gnomAD exomes below 0.00001; TOPMed below 0.00001; ExAC 0.00001.
gnomAD v4.1: 1 of 1,613,746 alleles (0.000062%); highest among the groups gnomAD compares: Non-Finnish European, 0.000085%; no homozygotes.

Submissions (2):

Labcorp Genetics (formerly Invitae), Labcorp
Classification: Uncertain significance for Nephronophthisis. Last evaluated: 2024-02-23. Review status: criteria provided, single submitter. Criteria: Invitae Variant Classification Sherloc (09022015). Collection method: clinical testing. Allele origin: germline.
Comment: This sequence change replaces threonine, which is neutral and polar, with proline, which is neutral and non-polar, at codon 1351 of the NPHP4 protein (p.Thr1351Pro). This variant is present in population databases (rs746129070, gnomAD no frequency). This variant has not been reported in the literature in individuals affected with NPHP4-related conditions. ClinVar contains an entry for this variant (Variation ID: 596050). Advanced modeling of protein sequence and biophysical properties (such as structural, functional, and spatial information, amino acid conservation, physicochemical variation, residue mobility, and thermodynamic stability) performed at Invitae indicates that this missense variant is expected to disrupt NPHP4 protein function with a positive predictive value of 80%. In summary, the available evidence is currently insufficient to determine the role of this variant in disease. Therefore, it has been classified as a Variant of Uncertain Significance.

Eurofins Ntd Llc (ga)
Classification: Uncertain significance. Last evaluated: 2018-02-08. Review status: criteria provided, single submitter. Criteria: EGL Classification Definitions 2015. Collection method: clinical testing. Allele origin: germline. Observed: 1 variant allele, 1 heterozygote.

NM_015102.5(NPHP4):c.4051A>C (p.Thr1351Pro)

Gene: NPHP4 (nephrocystin 4; minus strand). Cytogenetic location: 1p36.31.
Variant type: single nucleotide variant.
Coding change: c.4051A>C on transcript NM_015102.5 (MANE Select); coding-DNA position 4051, A replaced by C.
Protein change: p.Thr1351Pro; replaces threonine 1351 with proline.
Molecular consequence: missense variant. On other transcripts: non-coding transcript variant (1).
Genome position (GRCh38, 1-based): chr1:5,863,979, T>G on the plus strand (A>C on the coding strand, the complement: NPHP4 is on the minus strand). VCF-style: chr1-5863979-T-G. GRCh37 (hg19) VCF-style: chr1-5924039-T-G.
Other names: c.2512A>C, p.Thr838Pro (NM_001291593.2); c.2515A>C, p.Thr839Pro (NM_001291594.2); short protein forms T1351P, T839P, T838P.
Identifiers: ClinVar variation 596050 (VCV000596050.11), dbSNP rs746129070, ClinGen allele CA553369.